The following is an entry in ClinVar:

ClinVar aggregate classification (germline): Uncertain significance (1 of 4 stars; one submission).

Conditions:
Primary ciliary dyskinesia. Also called: Ciliary dyskinesia. Identifiers: Orphanet 244, MedGen C0008780, MONDO:0016575, HP:0012265.

Allele frequency attached by ClinVar (database versions not stated): gnomAD exomes below 0.00001; ExAC 0.00001.

Submission:

Labcorp Genetics (formerly Invitae), Labcorp
Classification: Uncertain significance for Primary ciliary dyskinesia. Last evaluated: 2024-01-02. Review status: criteria provided, single submitter. Criteria: Invitae Variant Classification Sherloc (09022015). Collection method: clinical testing. Allele origin: germline.
Comment: This sequence change replaces glutamine, which is neutral and polar, with histidine, which is basic and polar, at codon 339 of the CCDC114 protein (p.Gln339His). This variant is present in population databases (rs746231311, gnomAD 0.0009%). This variant has not been reported in the literature in individuals affected with CCDC114-related conditions. ClinVar contains an entry for this variant (Variation ID: 565839). An algorithm developed to predict the effect of missense changes on protein structure and function (PolyPhen-2) suggests that this variant is likely to be disruptive. In summary, the available evidence is currently insufficient to determine the role of this variant in disease. Therefore, it has been classified as a Variant of Uncertain Significance.

NM_001364171.2(ODAD1):c.1128G>C (p.Gln376His)

Gene: ODAD1 (outer dynein arm docking complex subunit 1; minus strand). Cytogenetic location: 19q13.33.
Variant type: single nucleotide variant.
Coding change: c.1128G>C on transcript NM_001364171.2 (MANE Select); coding-DNA position 1128, G replaced by C.
Protein change: p.Gln376His; replaces glutamine 376 with histidine.
Molecular consequence: missense variant.
Genome position (GRCh38, 1-based): chr19:48,302,806, C>G on the plus strand (G>C on the coding strand, the complement: ODAD1 is on the minus strand). VCF-style: chr19-48302806-C-G. GRCh37 (hg19) VCF-style: chr19-48806063-C-G.
Other names: c.1017G>C, p.Gln339His (NM_144577.4); short protein forms Q376H, Q339H.
Identifiers: ClinVar variation 565839 (VCV000565839.9), dbSNP rs746231311, ClinGen allele CA9548811.